The following is an entry in ClinVar:

NM_001184880.2(PCDH19):c.58G>C (p.Ala20Pro)

Gene: PCDH19 (protocadherin 19; minus strand). Cytogenetic location: Xq22.1.
Variant type: single nucleotide variant.
Coding change: c.58G>C on transcript NM_001184880.2 (MANE Select); coding-DNA position 58, G replaced by C.
Protein change: p.Ala20Pro; replaces alanine 20 with proline.
Molecular consequence: missense variant.
Genome position (GRCh38, 1-based): chrX:100,408,540, C>G on the plus strand (G>C on the coding strand, the complement: PCDH19 is on the minus strand). VCF-style: chrX-100408540-C-G. GRCh37 (hg19) VCF-style: chrX-99663538-C-G.
Other names: c.58G>C, p.Ala20Pro (NM_001105243.2, NM_020766.3); short protein forms A20P.
Identifiers: ClinVar variation 577415 (VCV000577415.9), dbSNP rs1413763025, ClinGen allele CA414011468.

ClinVar aggregate classification (germline): Uncertain significance (1 of 4 stars; one submission).

Conditions:
Developmental and epileptic encephalopathy, 9 (DEE9). Also called: Early infantile epileptic encephalopathy 9; EPILEPSY, FEMALE-RESTRICTED, WITH MENTAL RETARDATION; JUBERG-HELLMAN SYNDROME; PCDH19-Related X-Linked Female-Limited Epilepsy with Mental Retardation. Identifiers: Orphanet 101039, Orphanet 2076, MedGen C1848137, MONDO:0010246, OMIM 300088. Disease mechanism: loss of function.

gnomAD v4.1: 1 of 1,196,801 alleles (0.000084%); highest among the groups gnomAD compares: African/African-American, 0.0017%; no homozygotes.

Submission:

Labcorp Genetics (formerly Invitae), Labcorp
Classification: Uncertain significance for Developmental and epileptic encephalopathy, 9. Last evaluated: 2022-08-22. Review status: criteria provided, single submitter. Criteria: Invitae Variant Classification Sherloc (09022015). Collection method: clinical testing. Allele origin: germline.
Comment: This variant is not present in population databases (gnomAD no frequency). In summary, the available evidence is currently insufficient to determine the role of this variant in disease. Therefore, it has been classified as a Variant of Uncertain Significance. Advanced modeling of protein sequence and biophysical properties (such as structural, functional, and spatial information, amino acid conservation, physicochemical variation, residue mobility, and thermodynamic stability) performed at Invitae indicates that this missense variant is not expected to disrupt PCDH19 protein function. ClinVar contains an entry for this variant (Variation ID: 577415). This variant has not been reported in the literature in individuals affected with PCDH19-related conditions. This sequence change replaces alanine, which is neutral and non-polar, with proline, which is neutral and non-polar, at codon 20 of the PCDH19 protein (p.Ala20Pro).